The following is an entry in ClinVar:

NM_001042492.3(NF1):c.252del (p.Ile85fs)

Gene: NF1 (neurofibromin 1; plus strand). Cytogenetic location: 17q11.2.
Variant type: Deletion.
Coding change: c.252del on transcript NM_001042492.3 (MANE Select); coding-DNA position 252, one base deleted (G; older notation c.252delG).
Protein change: p.Ile85fs; shifts the reading frame from isoleucine 85.
Molecular consequence: frameshift variant.
Genome position (GRCh38, 1-based): chr17:31,159,057, G deleted. VCF-style (leftmost placement, unchanged base first): chr17-31159056-TG-T. GRCh37 (hg19) VCF-style: chr17-29486074-TG-T.
Other names: c.252delG, p.Ile85Leufs (NM_000267.4); c.252del, p.Ile85fs (NM_001128147.3); short protein forms I85fs.
Identifiers: ClinVar variation 1458433 (VCV001458433.8), dbSNP rs2143646186, ClinGen allele CA2573153547.
Genomic context (GRCh38, chr17:31,159,056, plus strand): 5'-ATCTTTTCTGTTAGAGAATATTTGGAGAAGCTGCTGAAAAAAATTTATATCTCTCTCAGT[TG>T]ATTATATTGGATACACTGGAAAAATGTCTTGCTGGGGTAAGTAAATTGATCTTAAGTAGG-3'

ClinVar aggregate classification (germline): Pathogenic (1 of 4 stars; one submission).

Conditions:
Neurofibromatosis, type 1 (NF1). Also called: Neurofibromatosis, type I; VON RECKLINGHAUSEN DISEASE; NEUROFIBROMATOSIS, TYPE I, SOMATIC; Peripheral type neurofibromatosis. Identifiers: Orphanet 636, MedGen C0027831, MONDO:0018975, OMIM 162200. Disease mechanism: loss of function.

Submission:

Labcorp Genetics (formerly Invitae), Labcorp
Classification: Pathogenic for Neurofibromatosis, type 1. Last evaluated: 2022-08-23. Review status: criteria provided, single submitter. Criteria: Invitae Variant Classification Sherloc (09022015). Collection method: clinical testing. Allele origin: germline.
Comment: This sequence change creates a premature translational stop signal (p.Ile85Leufs*18) in the NF1 gene. It is expected to result in an absent or disrupted protein product. Loss-of-function variants in NF1 are known to be pathogenic (PMID: 10712197, 23913538). This variant is not present in population databases (gnomAD no frequency). This premature translational stop signal has been observed in individual(s) with clinical features of neurofibromatosis type 1 (PMID: 26740943). ClinVar contains an entry for this variant (Variation ID: 1458433). For these reasons, this variant has been classified as Pathogenic.

Literature cited by the submitters: PubMed 10712197; PubMed 23913538; PubMed 26740943.